The following is an entry in ClinVar:

ClinVar aggregate classification (germline): Benign/Likely benign. Review status: criteria provided, multiple submitters, no conflicts (2 of 4 stars). 2 submissions from 2 submitters: Benign (1); Likely benign (1). Last evaluated 2025-01-28.

Conditions:
Hereditary cancer-predisposing syndrome. Also called: Neoplastic Syndromes, Hereditary; Hereditary neoplastic syndrome; Tumor predisposition; Hereditary Cancer Syndrome. Identifiers: Orphanet 140162, MedGen C0027672, MeSH D009386, MONDO:0015356.
Lynch syndrome 4 (LYNCH4). Also called: Hereditary non-polyposis colorectal cancer, type 4; Colorectal cancer, hereditary nonpolyposis, type 4. Identifiers: Orphanet 144, MedGen C1838333, MONDO:0013699, OMIM 614337. Disease mechanism: loss of function.

Submissions (2):

Myriad Genetics, Inc.
Classification: Benign for Lynch syndrome 4. Last evaluated: 2025-01-28. Review status: criteria provided, single submitter. Criteria: Myriad Autosomal Dominant, Autosomal Recessive and X-Linked Classification Criteria (2023). Collection method: clinical testing. Allele origin: unknown.
Comment: This variant is considered benign. This variant is a silent/synonymous amino acid change and it is not expected to impact splicing.

Ambry Genetics
Classification: Likely benign for Hereditary cancer-predisposing syndrome. Last evaluated: 2023-02-16. Review status: criteria provided, single submitter. Criteria: Ambry Variant Classification Scheme 2023. Collection method: clinical testing. Allele origin: germline.

Literature cited by the submitters: PubMed 15942939 (cited by Ambry Genetics); PubMed 16472587 (cited by Ambry Genetics); PubMed 22461402 (cited by Ambry Genetics); PubMed 27435373 (cited by Ambry Genetics); PubMed 30161022 (cited by Ambry Genetics).

NM_000535.7(PMS2):c.888T>C (p.Pro296=)

Gene: PMS2 (PMS1 homolog 2, mismatch repair system component; minus strand). Cytogenetic location: 7p22.1.
Variant type: single nucleotide variant.
Coding change: c.888T>C on transcript NM_000535.7 (MANE Select); coding-DNA position 888, T replaced by C.
Protein change: p.Pro296=; no amino-acid change (proline 296 retained).
Molecular consequence: synonymous variant. On other transcripts: 5 prime UTR variant (2), non-coding transcript variant (1), intron variant (4).
Genome position (GRCh38, 1-based): chr7:5,995,549, A>G on the plus strand (T>C on the coding strand, the complement: PMS2 is on the minus strand). VCF-style: chr7-5995549-A-G. GRCh37 (hg19) VCF-style: chr7-6035180-A-G.
Other names: c.483T>C, p.Pro161= (NM_001018040.1, NM_001322003.2, NM_001322004.2 and 20 more transcripts); c.888T>C, p.Pro296= (NM_001322006.2, NM_001322014.2, NM_001406870.1 and 2 more transcripts); c.570T>C, p.Pro190= (NM_001322007.2, NM_001322008.2, NM_001406876.1 and 4 more transcripts); c.-46T>C (NM_001322011.2, NM_001322012.2); c.315T>C, p.Pro105= (NM_001322013.2, NM_001406909.1); c.579T>C, p.Pro193= (NM_001322015.2, NM_001406875.1, NM_001406877.1 and 6 more transcripts); c.1074T>C, p.Pro358= (NM_001406866.1); c.912T>C, p.Pro304= (NM_001406868.1); and 8 more.
Identifiers: ClinVar variation 2470072 (VCV002470072.3), dbSNP rs2536142290, ClinGen allele CA453645746.